The following is an entry in ClinVar:

NM_001970.5(EIF5A):c.408G>A (p.Thr136=)

Gene: EIF5A (eukaryotic translation initiation factor 5A; plus strand). Cytogenetic location: 17p13.1.
Variant type: single nucleotide variant.
Coding change: c.408G>A on transcript NM_001970.5 (MANE Select); coding-DNA position 408, G replaced by A.
Protein change: p.Thr136=; no amino-acid change (threonine 136 retained).
Molecular consequence: synonymous variant.
Genome position (GRCh38, 1-based): chr17:7,311,583, G>A. VCF-style: chr17-7311583-G-A. GRCh37 (hg19) VCF-style: chr17-7214902-G-A.
Other names: c.498G>A, p.Thr166= (NM_001143760.1); c.408G>A, p.Thr136= (NM_001143761.1, NM_001143762.2, NM_001370420.1 and 1 more transcripts).
Identifiers: ClinVar variation 2647326 (VCV002647326.24), dbSNP rs376228893, ClinGen allele CA8341693.

ClinVar aggregate classification (germline): Likely benign (1 of 4 stars; one submission).

Allele frequency attached by ClinVar (database versions not stated): gnomAD 0.00003; TOPMed 0.00004; ESP Exome Variant Server 0.00008; 1000 Genomes Project 30x 0.00016; 1000 Genomes Project 0.00020.
gnomAD v4.1: 35 of 1,614,158 alleles (0.0022%); highest among the groups gnomAD compares: African/African-American, 0.0093%; no homozygotes.

Submission:

CeGaT Center for Human Genetics Tuebingen
Classification: Likely benign. Last evaluated: 2023-10-01. Review status: criteria provided, single submitter. Criteria: CeGaT Center For Human Genetics Tuebingen Variant Classification Criteria Version 2. Collection method: clinical testing. Allele origin: germline. Affected: yes. Observed: 1 variant allele.
Comment: EIF5A: BP4, BP7